The following is an entry in ClinVar:

NM_000203.5(IDUA):c.299+3399C>T

Genes: IDUA (alpha-L-iduronidase; plus strand), SLC26A1 (solute carrier family 26 member 1; minus strand). Cytogenetic location: 4p16.3.
Variant type: single nucleotide variant.
Coding change: c.299+3399C>T on transcript NM_000203.5 (MANE Select); 3399 bases into the intron after coding-DNA position 299, C replaced by T.
Molecular consequence: intron variant. On other transcripts: missense variant (3).
Genome position (GRCh38, 1-based): chr4:991,348, C>T. VCF-style: chr4-991348-C-T. GRCh37 (hg19) VCF-style: chr4-985136-C-T.
Other names: c.356G>A, p.Arg119Gln (NM_022042.4, NM_134425.4, NM_213613.4); c.356G>A (NM_022042.3); short protein forms R119Q.
Identifiers: ClinVar variation 64590 (VCV000064590.10), dbSNP rs368990025, ClinGen allele CA216464.
Genomic context (GRCh38, chr4:991,348, plus strand): 5'-CGGTCCACCACCTGCCCCACCATGAGGCAAAGCAGGCTGAAGATGCCCACGGAGACATGC[C>T]GTGAGGTGCCCATGAGGAAGTAGATGAGGTTGGCGAAGAAGGACGTATAGAGGCTGTAGA-3'

ClinVar aggregate classification (germline): Uncertain significance. Review status: criteria provided, multiple submitters, no conflicts (2 of 4 stars). 5 submissions from 5 submitters: Uncertain significance (3). 2 of the submissions do not count toward it. Last evaluated 2025-08-29.

Conditions:
Hypersulfaturia (HYSULF). Identifiers: MedGen C5830511, MONDO:0957268, OMIM 620372.
Nephrolithiasis susceptibility caused by SLC26A1 (CAON1). Also called: NEPHROLITHIASIS, CALCIUM OXALATE, 1. Identifiers: MedGen C5779632, MONDO:0020722, OMIM 167030.
SLC26A1-related disorder. Also called: SLC26A1-related condition.
Hurler syndrome. Also called: Gargoylism, Hurler Syndrome; Severe MPS I (Hurler Syndrome); MUCOPOLYSACCHARIDOSIS TYPE IH. Identifiers: Orphanet 93473, MedGen C0086795, MONDO:0011758, OMIM 607014.

Allele frequency attached by ClinVar (database versions not stated): gnomAD 0.00011 and 0.00012; TOPMed 0.00011; ExAC 0.00012; gnomAD exomes 0.00013 and 0.00022; ESP Exome Variant Server 0.00023.
gnomAD v4.1: 337 of 1,612,756 alleles (0.021%); highest among the groups gnomAD compares: Non-Finnish European, 0.026%; no homozygotes.

Submissions (5):

PreventionGenetics, part of Exact Sciences
Classification: Uncertain significance for SLC26A1-related condition. Last evaluated: 2025-08-29. Review status: criteria provided, single submitter. Criteria: ACMG Guidelines, 2015. Collection method: clinical testing. Allele origin: germline.
Comment: The SLC26A1 c.356G>A variant is predicted to result in the amino acid substitution p.Arg119Gln. To our knowledge, this variant has not been reported in the literature. This variant is reported in 0.028% of alleles in individuals of African descent in gnomAD. At this time, the clinical significance of this variant is uncertain due to the absence of conclusive functional and genetic evidence.

Labcorp Genetics (formerly Invitae), Labcorp
Classification: Uncertain significance. Last evaluated: 2025-08-14. Review status: criteria provided, single submitter. Criteria: Invitae Variant Classification Sherloc (09022015). Collection method: clinical testing. Allele origin: germline.
Comment: This sequence change replaces arginine, which is basic and polar, with glutamine, which is neutral and polar, at codon 119 of the SLC26A1 protein (p.Arg119Gln). This variant is present in population databases (rs368990025, gnomAD 0.03%). This variant has not been reported in the literature in individuals affected with SLC26A1-related conditions. ClinVar contains an entry for this variant (Variation ID: 64590). Invitae Evidence Modeling of protein sequence and biophysical properties (such as structural, functional, and spatial information, amino acid conservation, physicochemical variation, residue mobility, and thermodynamic stability) indicates that this missense variant is not expected to disrupt SLC26A1 protein function with a negative predictive value of 80%. In summary, the available evidence is currently insufficient to determine the role of this variant in disease. Therefore, it has been classified as a Variant of Uncertain Significance.

Fulgent Genetics
Classification: Uncertain significance for Nephrolithiasis susceptibility caused by SLC26A1; Hypersulfaturia. Last evaluated: 2024-03-11. Review status: criteria provided, single submitter. Criteria: ACMG Guidelines, 2015. Collection method: clinical testing. Allele origin: germline.

Counsyl
Classification: Likely benign for Hurler syndrome. Last evaluated: 2017-03-22. Review status: no assertion criteria provided. Collection method: clinical testing. Allele origin: unknown. Not counted in ClinVar's aggregate classification.

Martin Pollak Laboratory,  Beth Israel Deaconess Medical Center
Classification: Uncertain significance. Review status: no assertion criteria provided. Collection method: not provided. Allele origin: unknown. Not counted in ClinVar's aggregate classification.
Comment: Lower UCa2+ group
ClinVar note: Converted during submission from unknown to Uncertain significance.